The following is an entry in ClinVar:

ClinVar aggregate classification (germline): Conflicting classifications of pathogenicity. Review status: criteria provided, conflicting classifications (1 of 4 stars). 12 submissions from 11 submitters: Uncertain significance (1); Benign (3); Likely benign (6). 2 of the submissions do not count toward it. Last evaluated 2026-01-15.

Conditions:
Connective tissue disorder. Also called: Connective tissue disease. Identifiers: MedGen C0009782, MONDO:0003900.
Lethal Kniest-like syndrome (DDSH). Also called: Dyssegmental Dysplasia. Identifiers: Orphanet 1865, MedGen C1857100, MONDO:0009140, OMIM 224410.
Schwartz-Jampel syndrome. Also called: Myotonic myopathy dwarfism chondrodystrophy and ocular and facial abnormalities. Identifiers: Orphanet 800, MedGen C0036391, MONDO:0009717.

Allele frequency attached by ClinVar (database versions not stated): 1000 Genomes Project 0.00020; 1000 Genomes Project 30x 0.00031; ESP Exome Variant Server 0.00246; ExAC 0.00290; gnomAD exomes 0.00290 and 0.00381; TOPMed 0.00304; gnomAD 0.00310 and 0.00326.
gnomAD v4.1: 6,022 of 1,613,754 alleles (0.37%); highest among the groups gnomAD compares: Non-Finnish European, 0.43%; 13 homozygotes.

Submissions (12):

Labcorp Genetics (formerly Invitae), Labcorp
Classification: Benign. Last evaluated: 2026-01-15. Review status: criteria provided, single submitter. Criteria: Invitae Variant Classification Sherloc (09022015). Collection method: clinical testing. Allele origin: germline.

CeGaT Center for Human Genetics Tuebingen
Classification: Benign. Last evaluated: 2025-12-01. Review status: criteria provided, single submitter. Criteria: CeGaT Center For Human Genetics Tuebingen Variant Classification Criteria Version 2. Collection method: clinical testing. Allele origin: germline. Affected: yes. Observed: 6 variant alleles.
Comment: HSPG2: BP4, BS1, BS2

Blueprint Genetics
Classification: Likely benign. Last evaluated: 2024-11-22. Review status: criteria provided, single submitter. Criteria: ACMG Guidelines, 2015. Collection method: clinical testing. Allele origin: germline.

ARUP Laboratories, Molecular Genetics and Genomics, ARUP Laboratories
Classification: Likely benign. Last evaluated: 2023-11-02. Review status: criteria provided, single submitter. Criteria: ARUP Molecular Germline Variant Investigation Process 2024. Collection method: clinical testing. Allele origin: germline.

Genome Diagnostics Laboratory, The Hospital for Sick Children
Classification: Likely benign for Connective tissue disorder. Last evaluated: 2020-03-01. Review status: criteria provided, single submitter. Criteria: ACMG Guidelines, 2015. Collection method: clinical testing. Allele origin: germline.

Athena Diagnostics
Classification: Benign. Last evaluated: 2018-09-14. Review status: criteria provided, single submitter. Criteria: Athena Diagnostics Criteria. Collection method: clinical testing. Allele origin: germline.

Illumina Laboratory Services, Illumina
Classification: Likely benign for Lethal Kniest-like syndrome. Last evaluated: 2018-01-12. Review status: criteria provided, single submitter. Criteria: ICSL Variant Classification Criteria 13 December 2019. Collection method: clinical testing. Allele origin: germline.
Comment: This variant was observed in the ICSL laboratory as part of a predisposition screen in an ostensibly healthy population. It had not been previously curated by ICSL or reported in the Human Gene Mutation Database (HGMD: prior to June 1st, 2018), and was therefore a candidate for classification through an automated scoring system. Utilizing variant allele frequency, disease prevalence and penetrance estimates, and inheritance mode, an automated score was calculated to assess if this variant is too frequent to cause the disease. Based on the score and internal cut-off values, a variant classified as likely benign is not then subjected to further curation. The score for this variant resulted in a classification of likely benign for this disease.

Illumina Laboratory Services, Illumina
Classification: Likely benign for Schwartz-Jampel syndrome type 1. Last evaluated: 2018-01-12. Review status: criteria provided, single submitter. Criteria: ICSL Variant Classification Criteria 13 December 2019. Collection method: clinical testing. Allele origin: germline.
Comment: the same text as in the submission from Illumina Laboratory Services, Illumina above.

GeneDx
Classification: Uncertain significance. Last evaluated: 2016-12-15. Review status: criteria provided, single submitter. Criteria: GeneDx Variant Classification (06012015). Collection method: clinical testing. Allele origin: germline. Affected: yes.
Comment: The V692M variant in the HSPG2 gene was identified in the heterozygous state in a single individual with idiopathic scoliosis (Baschal et al., 2015). The NHLBI ESP Exome Sequencing Project reports V692M was observed in 0.33% (28/8600) of alleles from individuals of European background, indicating it may be a rare variant in this population, although no individuals within this control group were reported as homozygous for this variant. The V692M variant is a conservative amino acid substitution, which is not likely to impact secondary protein structure as these residues share similar properties. This substitution occurs at a position where amino acids with similar properties to Valine are tolerated across species, but in silico analysis is inconsistent in its predictions as to whether or not the variant is damaging to the protein structure/function. We interpret V692M as a variant of uncertain significance.

Eurofins Ntd Llc (ga)
Classification: Likely benign. Last evaluated: 2015-04-13. Review status: criteria provided, single submitter. Criteria: EGL Classification Definitions 2015. Collection method: clinical testing. Allele origin: germline. Observed: 1 variant allele, 1 heterozygote.

Clinical Genetics DNA and cytogenetics Diagnostics Lab, Erasmus MC, Erasmus Medical Center
Classification: Likely benign. Review status: no assertion criteria provided. Collection method: clinical testing. Allele origin: germline. Affected: yes. Study: VKGL Data-share Consensus. Not counted in ClinVar's aggregate classification.

Laboratory of Diagnostic Genome Analysis, Leiden University Medical Center (LUMC)
Classification: Likely benign. Review status: no assertion criteria provided. Collection method: clinical testing. Allele origin: germline. Affected: yes. Study: VKGL Data-share Consensus. Not counted in ClinVar's aggregate classification.

Literature cited by the submitters: PubMed 24781210 (cited by Athena Diagnostics); PubMed 25504735 (cited by Athena Diagnostics).

NM_005529.7(HSPG2):c.2074G>A (p.Val692Met)

Gene: HSPG2 (heparan sulfate proteoglycan 2; minus strand). Cytogenetic location: 1p36.12.
Variant type: single nucleotide variant.
Coding change: c.2074G>A on transcript NM_005529.7 (MANE Select); coding-DNA position 2074, G replaced by A.
Protein change: p.Val692Met; replaces valine 692 with methionine.
Molecular consequence: missense variant.
Genome position (GRCh38, 1-based): chr1:21,880,484, C>T on the plus strand (G>A on the coding strand, the complement: HSPG2 is on the minus strand). VCF-style: chr1-21880484-C-T. GRCh37 (hg19) VCF-style: chr1-22206977-C-T.
Other names: c.2077G>A, p.Val693Met (NM_001291860.2); short protein forms V692M, V693M.
Identifiers: ClinVar variation 194641 (VCV000194641.76), dbSNP rs143669458, ClinGen allele CA201276.